The following is an entry in ClinVar:

NM_003041.4(SLC5A2):c.1442A>T (p.Asn481Ile)

Gene: SLC5A2 (solute carrier family 5 member 2; plus strand). Cytogenetic location: 16p11.2.
Variant type: single nucleotide variant.
Coding change: c.1442A>T on transcript NM_003041.4 (MANE Select); coding-DNA position 1442, A replaced by T.
Protein change: p.Asn481Ile; replaces asparagine 481 with isoleucine.
Molecular consequence: missense variant.
Genome position (GRCh38, 1-based): chr16:31,489,041, A>T. VCF-style: chr16-31489041-A-T. GRCh37 (hg19) VCF-style: chr16-31500362-A-T.
Other names: short protein forms N481I.
Identifiers: ClinVar variation 4796641 (VCV004796641.1).

ClinVar aggregate classification (germline): Uncertain significance (1 of 4 stars; one submission).

Submission:

GeneDx
Classification: Uncertain significance. Last evaluated: 2025-08-21. Review status: criteria provided, single submitter. Criteria: GeneDx Variant Classification Process June 2021. Collection method: clinical testing. Allele origin: germline. Affected: yes.
Comment: Not observed at significant frequency in large population cohorts (gnomAD); In silico analysis supports that this missense variant has a deleterious effect on protein structure/function; Has not been previously published as pathogenic or benign to our knowledge